The following is an entry in ClinVar:

NM_000498.3(CYP11B2):c.105_109del (p.Leu36fs)

Genes: CYP11B2 (cytochrome P450 family 11 subfamily B member 2; minus strand), LOC106799834 (CYP11B2 recombination region; plus strand). Cytogenetic location: 8q24.3.
Variant type: Deletion.
Coding change: c.105_109del on transcript NM_000498.3 (MANE Select); coding-DNA positions 105 to 109, 5 bases deleted (GCTGC; older notation c.105_109delGCTGC).
Protein change: p.Leu36fs; shifts the reading frame from leucine 36.
Molecular consequence: frameshift variant.
Genome position (GRCh38, 1-based): chr8:142,917,732-142,917,736, GCAGC deleted on the plus strand (GCTGC on the coding strand, the reverse complement: CYP11B2 is on the minus strand). VCF-style (leftmost placement, unchanged base first): chr8-142917731-GGCAGC-G. GRCh37 (hg19) VCF-style: chr8-143999147-GGCAGC-G.
Other names: short protein forms L36fs.
Identifiers: ClinVar variation 2807863 (VCV002807863.3), dbSNP rs1160513370, ClinGen allele CA848701444.

ClinVar aggregate classification (germline): Pathogenic (1 of 4 stars; one submission).

Allele frequency attached by ClinVar (database versions not stated): TOPMed 0.00023.

Submission:

Labcorp Genetics (formerly Invitae), Labcorp
Classification: Pathogenic. Last evaluated: 2024-04-09. Review status: criteria provided, single submitter. Criteria: Invitae Variant Classification Sherloc (09022015). Collection method: clinical testing. Allele origin: germline.
Comment: This sequence change creates a premature translational stop signal (p.Leu36Valfs*2) in the CYP11B2 gene. It is expected to result in an absent or disrupted protein product. Loss-of-function variants in CYP11B2 are known to be pathogenic (PMID: 20494601, 22801770, 26936515). This variant is not present in population databases (gnomAD no frequency). This variant has not been reported in the literature in individuals affected with CYP11B2-related conditions. For these reasons, this variant has been classified as Pathogenic.

Literature cited by the submitters: PubMed 20494601; PubMed 22801770; PubMed 26936515.